The following is an entry in ClinVar:

NM_021224.6(ZNF462):c.4827C>T (p.Ser1609=)

Gene: ZNF462 (zinc finger protein 462; plus strand). Cytogenetic location: 9q31.2.
Variant type: single nucleotide variant.
Coding change: c.4827C>T on transcript NM_021224.6 (MANE Select); coding-DNA position 4827, C replaced by T.
Protein change: p.Ser1609=; no amino-acid change (serine 1609 retained).
Molecular consequence: synonymous variant. On other transcripts: intron variant (1).
Genome position (GRCh38, 1-based): chr9:106,928,739, C>T. VCF-style: chr9-106928739-C-T. GRCh37 (hg19) VCF-style: chr9-109691020-C-T.
Other names: c.3252+1575C>T (NM_001347997.2).
Identifiers: ClinVar variation 2659384 (VCV002659384.25), dbSNP rs199737173, ClinGen allele CA5171891.

ClinVar aggregate classification (germline): Likely benign. Review status: criteria provided, multiple submitters, no conflicts (2 of 4 stars). 2 submissions from 2 submitters: Likely benign (2). Last evaluated 2026-06-01.

Allele frequency attached by ClinVar (database versions not stated): ExAC 0.00006; gnomAD 0.00011; TOPMed 0.00012; 1000 Genomes Project 30x 0.00016; 1000 Genomes Project 0.00020.
gnomAD v4.1: 71 of 1,614,086 alleles (0.0044%); highest among the groups gnomAD compares: African/African-American, 0.049%; no homozygotes.

Submissions (2):

CeGaT Center for Human Genetics Tuebingen
Classification: Likely benign. Last evaluated: 2026-06-01. Review status: criteria provided, single submitter. Criteria: CeGaT Center For Human Genetics Tuebingen Variant Classification Criteria Version 2. Collection method: clinical testing. Allele origin: germline. Affected: yes. Observed: 3 variant alleles.
Comment: ZNF462: BP4, BP7

Blueprint Genetics
Classification: Likely benign. Last evaluated: 2024-11-04. Review status: criteria provided, single submitter. Criteria: ACMG Guidelines, 2015. Collection method: clinical testing. Allele origin: germline.